The following is an entry in ClinVar:

NC_000017.10:g.(?_40842169)_(40846199_?)del

Gene: CNTNAP1 (contactin associated protein 1; plus strand). Cytogenetic location: 17q21.2.
Variant type: Deletion.
Identifiers: ClinVar variation 1453202 (VCV001453202.4).

ClinVar aggregate classification (germline): Pathogenic (1 of 4 stars; one submission).

Submission:

Labcorp Genetics (formerly Invitae), Labcorp
Classification: Pathogenic. Last evaluated: 2020-11-28. Review status: criteria provided, single submitter. Criteria: Invitae Variant Classification Sherloc (09022015). Collection method: clinical testing. Allele origin: germline.
Comment: For these reasons, this variant has been classified as Pathogenic. This variant has been observed in individual(s) with CNTNAP1-related conditions (Invitae). In at least one individual the data is consistent with the variant being in trans (on the opposite chromosome) from a pathogenic variant. This variant results in the deletion of exon(s) 13-18 and part of exon 12 (c.1801_2992+647del) of the CNTNAP1 gene. It is expected to disrupt RNA splicing. Variants that disrupt the donor or acceptor splice site typically lead to a loss of protein function (PMID: 16199547), and loss-of-function variants in CNTNAP1 are known to be pathogenic (PMID: 24319099).

Literature cited by the submitters: PubMed 16199547; PubMed 24319099.